The following is an entry in ClinVar:

NM_000038.6(APC):c.5815del (p.Asp1939fs)

Gene: APC (APC regulator of Wnt signaling pathway; plus strand). Cytogenetic location: 5q22.2.
Variant type: Deletion.
Coding change: c.5815del on transcript NM_000038.6 (MANE Select); coding-DNA position 5815, one base deleted (G; older notation c.5815delG).
Protein change: p.Asp1939fs; shifts the reading frame from aspartic acid 1939.
Molecular consequence: frameshift variant. On other transcripts: non-coding transcript variant (2).
Genome position (GRCh38, 1-based): chr5:112,841,409, G deleted. VCF-style (leftmost placement, unchanged base first): chr5-112841408-AG-A. GRCh37 (hg19) VCF-style: chr5-112177105-AG-A.
Other names: c.5845del, p.Asp1949fs (NM_001354897.2); c.5740del, p.Asp1914fs (NM_001354898.2); c.5731del, p.Asp1911fs (NM_001354899.2); c.5692del, p.Asp1898fs (NM_001354900.2); c.5638del, p.Asp1880fs (NM_001354901.2, NM_001407453.1); c.5542del, p.Asp1848fs (NM_001354902.2); c.5512del, p.Asp1838fs (NM_001354903.2, NM_001407458.1, NM_001407459.1 and 1 more transcripts); c.5437del, p.Asp1813fs (NM_001354904.2); and 11 more; short protein forms D1555fs, D1656fs, D1779fs, D1810fs, D1813fs, D1838fs, D1848fs, D1856fs.
Identifiers: ClinVar variation 4530190 (VCV004530190.1).
Genomic context (GRCh38, chr5:112,841,408, plus strand): 5'-AAATCGAGGTCAGCCTAAACCCATACTTCAGAAACAATCCACTTTTCCCCAGTCATCCAA[AG>A]ACATACCAGACAGAGGGGCAGCAACTGATGAAAAGTTACAGAATTTTGCTATTGAAAATA-3'

ClinVar aggregate classification (somatic clinical impact): Tier I - Strong (1 of 4 stars; one submission).

Conditions:
Desmoid tumor. Also called: Desmoid tumour; Aggressive fibromatosis. Identifiers: Orphanet 873, MedGen C0079218, MONDO:0007608, HP:6001034.

Submission:

Institute for Genomic Medicine (IGM) Clinical Laboratory, Nationwide Children's Hospital
Classification: Tier I - Strong for Desmoid tumor. Assertion type: diagnostic. Clinical significance: supports diagnosis. Last evaluated: 2023-12-04. Review status: criteria provided, single submitter. Criteria: AMP/ASCO/CAP Guidelines, 2017. Collection method: clinical testing. Allele origin: somatic. Affected: yes.
Comment: Variant has Tier I (strong) clinical significance as a diagnostic inclusion criterion in desmoid tumor, based on the following evidence: 1) Appears in one or more well-established professional guidelines (e.g., World Health Organization [WHO]; National Comprehensive Cancer Network [NCCN]) as providing diagnostic, prognostic, or therapeutic information (PMIDs: 9250146, 9744495, 10597266, 15793634, 18722078, 21904137, 26171757). 2) Diagnostic for a specific tumor type/classification based on well-powered studies with expert-level consensus (Evidence Level B; PMIDs: 9250146, 9744495, 10597266, 15793634, 18722078, 21904137, 26171757).

Literature cited by the submitters: PubMed 9250146; PubMed 9744495; PubMed 10597266; PubMed 15793634; PubMed 18722078; PubMed 21904137; PubMed 26171757.